The following is an entry in ClinVar:

NM_057175.5(NAA15):c.692-2del

Gene: NAA15 (N-alpha-acetyltransferase 15, NatA auxiliary subunit; plus strand). Cytogenetic location: 4q31.1.
Variant type: Deletion.
Coding change: c.692-2del on transcript NM_057175.5 (MANE Select); the canonical splice acceptor site of the intron before coding-DNA position 692, one base deleted (A; older notation c.692-2delA).
Molecular consequence: splice acceptor variant.
Genome position (GRCh38, 1-based): chr4:139,349,460, A deleted. VCF-style (leftmost placement, unchanged base first): chr4-139349459-CA-C. GRCh37 (hg19) VCF-style: chr4-140270613-CA-C.
Other names: c.692-2del (NM_001410842.1).
Identifiers: ClinVar variation 1675964 (VCV001675964.33), dbSNP rs2110930000, ClinGen allele CA2573138061.
Genomic context (GRCh38, chr4:139,349,459, plus strand): 5'-TAAAATTCTAATTGGAAGGTTTTCTCAGATATTAAAATTTTTTTTTTTTCTGTTTTTAAT[CA>C]GGGGAACTTCTGTTGCAACTATGTCGTTTGGAAGATGCTGCAGATGTTTATAGAGGATTG-3'

ClinVar aggregate classification (germline): Pathogenic (1 of 4 stars; one submission).

Submission:

CeGaT Center for Human Genetics Tuebingen
Classification: Pathogenic. Last evaluated: 2023-12-01. Review status: criteria provided, single submitter. Criteria: CeGaT Center For Human Genetics Tuebingen Variant Classification Criteria Version 2. Collection method: clinical testing. Allele origin: germline. Affected: yes. Observed: 4 variant alleles.
Comment: NAA15: PVS1, PM2